The following is an entry in ClinVar:

NM_000350.3(ABCA4):c.3806T>G (p.Leu1269Arg)

Genes: ABCA4 (ATP binding cassette subfamily A member 4; minus strand), LOC126805794 (BRD4-independent group 4 enhancer GRCh37_chr1:94502188-94503387; plus strand). Cytogenetic location: 1p22.1.
Variant type: single nucleotide variant.
Coding change: c.3806T>G on transcript NM_000350.3 (MANE Select); coding-DNA position 3806, T replaced by G.
Protein change: p.Leu1269Arg; replaces leucine 1269 with arginine.
Molecular consequence: missense variant.
Genome position (GRCh38, 1-based): chr1:94,037,152, A>C on the plus strand (T>G on the coding strand, the complement: ABCA4 is on the minus strand). VCF-style: chr1-94037152-A-C. GRCh37 (hg19) VCF-style: chr1-94502708-A-C.
Other names: c.3584T>G, p.Leu1195Arg (NM_001425324.1); short protein forms L1269R, L1195R.
Identifiers: ClinVar variation 1025883 (VCV001025883.9), dbSNP rs1660360960, ClinGen allele CA341288663.

ClinVar aggregate classification (germline): Uncertain significance (1 of 4 stars; one submission).

Submission:

Labcorp Genetics (formerly Invitae), Labcorp
Classification: Uncertain significance. Last evaluated: 2021-02-04. Review status: criteria provided, single submitter. Criteria: Invitae Variant Classification Sherloc (09022015). Collection method: clinical testing. Allele origin: germline.
Comment: This sequence change replaces leucine with arginine at codon 1269 of the ABCA4 protein (p.Leu1269Arg). The leucine residue is highly conserved and there is a moderate physicochemical difference between leucine and arginine. This variant is not present in population databases (ExAC no frequency). This variant has not been reported in the literature in individuals with ABCA4-related conditions. Algorithms developed to predict the effect of missense changes on protein structure and function (SIFT, PolyPhen-2, Align-GVGD) all suggest that this variant is likely to be disruptive, but these predictions have not been confirmed by published functional studies and their clinical significance is uncertain. In summary, the available evidence is currently insufficient to determine the role of this variant in disease. Therefore, it has been classified as a Variant of Uncertain Significance.